The following is an entry in ClinVar:

ClinVar aggregate classification (germline): Uncertain significance (1 of 4 stars; one submission).

Conditions:
Intellectual developmental disorder, autosomal dominant 1. Also called: MBD5 Haploinsufficiency; Intellectual disability, autosomal dominant 1. Identifiers: Orphanet 228402, MedGen C1969562, MONDO:0007974, OMIM 156200.

gnomAD v4.1: 5 of 1,614,160 alleles (0.00031%); highest among the groups gnomAD compares: East Asian, 0.0022%; no homozygotes.

Submission:

Labcorp Genetics (formerly Invitae), Labcorp
Classification: Uncertain significance for Intellectual developmental disorder, autosomal dominant 1. Last evaluated: 2024-03-16. Review status: criteria provided, single submitter. Criteria: Invitae Variant Classification Sherloc (09022015). Collection method: clinical testing. Allele origin: germline.
Comment: This sequence change replaces threonine, which is neutral and polar, with methionine, which is neutral and non-polar, at codon 1382 of the MBD5 protein (p.Thr1382Met). This variant is present in population databases (no rsID available, gnomAD 0.003%). This variant has not been reported in the literature in individuals affected with MBD5-related conditions. Experimental studies and prediction algorithms are not available or were not evaluated, and the functional significance of this variant is currently unknown. In summary, the available evidence is currently insufficient to determine the role of this variant in disease. Therefore, it has been classified as a Variant of Uncertain Significance.

NM_001378120.1(MBD5):c.4844C>T (p.Thr1615Met)

Gene: MBD5 (methyl-CpG binding domain protein 5; plus strand). Cytogenetic location: 2q23.1.
Variant type: single nucleotide variant.
Coding change: c.4844C>T on transcript NM_001378120.1 (MANE Select); coding-DNA position 4844, C replaced by T.
Protein change: p.Thr1615Met; replaces threonine 1615 with methionine.
Molecular consequence: missense variant.
Genome position (GRCh38, 1-based): chr2:148,490,476, C>T. VCF-style: chr2-148490476-C-T. GRCh37 (hg19) VCF-style: chr2-149248045-C-T.
Other names: c.4145C>T, p.Thr1382Met (NM_018328.5); short protein forms T1382M, T1615M.
Identifiers: ClinVar variation 3616083 (VCV003616083.2).
Genomic context (GRCh38, chr2:148,490,476, plus strand): 5'-ATGACCTAAGGAACCCAGACTCCCCCTCTTCAAATGAATTGATACATTATAGACCAAGGA[C>T]GTTCAATGTTGGCGACTTGGTCTGGGGCCAAATCAAAGGACTGACTTCCTGGCCTGGAAA-3'
Protein context (NP_001365049.1, residues 1605-1625): SNELIHYRPR[Thr1615Met]FNVGDLVWGQ